The following is an entry in ClinVar:

NM_177438.3(DICER1):c.4685G>A (p.Cys1562Tyr)

Gene: DICER1 (dicer 1, ribonuclease III; minus strand). Cytogenetic location: 14q32.13.
Variant type: single nucleotide variant.
Coding change: c.4685G>A on transcript NM_177438.3 (MANE Select); coding-DNA position 4685, G replaced by A.
Protein change: p.Cys1562Tyr; replaces cysteine 1562 with tyrosine.
Molecular consequence: missense variant. On other transcripts: non-coding transcript variant (6).
Genome position (GRCh38, 1-based): chr14:95,096,235, C>T on the plus strand (G>A on the coding strand, the complement: DICER1 is on the minus strand). VCF-style: chr14-95096235-C-T. GRCh37 (hg19) VCF-style: chr14-95562572-C-T.
Other names: NR_172720.1:n.5030G>A; NM_177438.3(DICER1):c.4685G>A; p.Cys1562Tyr; c.4685G>A, p.Cys1562Tyr (NM_001195573.1, NM_001271282.3, NM_001291628.2 and 13 more transcripts); c.4403G>A, p.Cys1468Tyr (NM_001395686.1); c.4280G>A, p.Cys1427Tyr (NM_001395687.1, NM_001395688.1, NM_001395689.1 and 2 more transcripts); c.4118G>A, p.Cys1373Tyr (NM_001395691.1); c.3002G>A, p.Cys1001Tyr (NM_001395697.1); short protein forms C1001Y, C1373Y, C1427Y, C1468Y, C1562Y.
Identifiers: ClinVar variation 3235125 (VCV003235125.3), dbSNP rs1890319805, ClinGen allele CA390867526.
Genomic context (GRCh38, chr14:95,096,235, plus strand): 5'-AAAAGCTGAGCAGCCCTCTCCCCACAGCTGGTTAAATAGCAGCCCAGCAGGGCTTCCACA[C>T]AGTCCGCTATGCTTTTGTCAGCAATACACTGCTCAGTGTGCAAGTCGTAAGAAATGGACT-3'
Protein context (NP_803187.1, residues 1552-1572): QCIADKSIAD[Cys1562Tyr]VEALLGCYLT

ClinVar aggregate classification (germline): Uncertain significance. Review status: reviewed by expert panel (3 of 4 stars). 2 submissions from 2 submitters: Uncertain significance (1). 1 of the submissions does not count toward it. Last evaluated 2026-06-23.

Conditions:
Hereditary cancer-predisposing syndrome. Also called: Neoplastic Syndromes, Hereditary; Tumor predisposition; Hereditary Cancer Syndrome; Hereditary neoplastic syndrome. Identifiers: Orphanet 140162, MedGen C0027672, MeSH D009386, MONDO:0015356.
DICER1-related tumor predisposition. Also called: DICER1-related pleuropulmonary blastoma cancer predisposition syndrome; DICER1 syndrome. Identifiers: Orphanet 284343, MedGen C3839822, MONDO:0100216.

Submissions (2):

ClinGen DICER1 and miRNA-Processing Gene Variant Curation Expert Panel, ClinGen
Classification: Uncertain significance for DICER1-related tumor predisposition. Last evaluated: 2026-06-23. Review status: reviewed by expert panel. Criteria: ClinGen DICER1 ACMG Specifications DICER1 V1.4.0. Collection method: curation. Allele origin: germline. Inheritance: Autosomal dominant inheritance.
Comment: The NM_177438.2:c.4685G>A variant in DICER1 is a missense variant predicted to replace cysteine with tyrosine at codon 1562 (p.Cys1562Tyr). At least one patient with this variant was found to have a somatic second hit in a recognized DICER1 hotspot codon on tumor sequencing, which is highly specific for DICER1-related tumor predisposition (PP4, Internal lab contributors). This variant is absent from gnomAD v4.1.0 (PM2_Supporting). In vitro cleavage assay carried out using immunopurified DICER1 variant p.Cys1562Tyr showed that this variant produces both 5p and 3p microRNAs from a pre-miRNA, indicating that this variant is unlikely to impact protein function (BS3_Supporting; Internal contributor: Foulkes). In silico tools predict damaging impact of the variant on protein function (REVEL: 0.752) (PP3). In summary, this variant meets the criteria to be classified as Uncertain Significance for DICER1-related tumor predisposition based on the ACMG/AMP criteria applied, as specified by the ClinGen DICER1 VCEP: PP4, PM2_supporting, PP3, BS3_Supporting. (Bayesian Points: 2; VCEP specifications version 1.4.0; 06/23/2026).

Ambry Genetics
Classification: Uncertain significance for Hereditary cancer-predisposing syndrome. Last evaluated: 2025-06-10. Review status: criteria provided, single submitter. Criteria: Ambry Variant Classification Scheme 2023. Collection method: clinical testing. Allele origin: germline. Not counted in ClinVar's aggregate classification.
Comment: The p.C1562Y variant (also known as c.4685G>A), located in coding exon 22 of the DICER1 gene, results from a G to A substitution at nucleotide position 4685. The cysteine at codon 1562 is replaced by tyrosine, an amino acid with highly dissimilar properties. This amino acid position is conserved. In addition, this alteration is predicted to be deleterious by in silico analysis. Based on the available evidence, the clinical significance of this variant remains unclear.